The following is an entry in ClinVar:

NM_006950.3(SYN1):c.1837A>C (p.Thr613Pro)

Gene: SYN1 (synapsin I; minus strand). Cytogenetic location: Xp11.3.
Variant type: single nucleotide variant.
Coding change: c.1837A>C on transcript NM_006950.3 (MANE Select); coding-DNA position 1837, A replaced by C.
Protein change: p.Thr613Pro; replaces threonine 613 with proline.
Molecular consequence: missense variant.
Genome position (GRCh38, 1-based): chrX:47,574,147, T>G on the plus strand (A>C on the coding strand, the complement: SYN1 is on the minus strand). VCF-style: chrX-47574147-T-G. GRCh37 (hg19) VCF-style: chrX-47433546-T-G.
Other names: c.1837A>C, p.Thr613Pro (NM_133499.2); short protein forms T613P.
Identifiers: ClinVar variation 1372137 (VCV001372137.6), dbSNP rs1603050300, ClinGen allele CA412822415.

ClinVar aggregate classification (germline): Uncertain significance (1 of 4 stars; one submission).

Conditions:
Epilepsy, X-linked 1, with variable learning disabilities and behavior disorders. Also called: X-linked epilepsy-learning disabilities-behavior disorders syndrome. Identifiers: Orphanet 85294, MedGen C5774177, MONDO:0010339, OMIM 300491.

gnomAD v4.1: 5 of 1,066,444 alleles (0.00047%); no homozygotes.

Submission:

Labcorp Genetics (formerly Invitae), Labcorp
Classification: Uncertain significance for Epilepsy, X-linked 1, with variable learning disabilities and behavior disorders. Last evaluated: 2022-06-20. Review status: criteria provided, single submitter. Criteria: Invitae Variant Classification Sherloc (09022015). Collection method: clinical testing. Allele origin: germline.
Comment: In summary, the available evidence is currently insufficient to determine the role of this variant in disease. Therefore, it has been classified as a Variant of Uncertain Significance. Algorithms developed to predict the effect of missense changes on protein structure and function output the following: SIFT: "Tolerated"; PolyPhen-2: "Not Available"; Align-GVGD: "Class C0". The proline amino acid residue is found in multiple mammalian species, which suggests that this missense change does not adversely affect protein function. This variant has not been reported in the literature in individuals affected with SYN1-related conditions. The frequency data for this variant in the population databases is considered unreliable, as metrics indicate insufficient coverage at this position in the gnomAD database. This sequence change replaces threonine, which is neutral and polar, with proline, which is neutral and non-polar, at codon 613 of the SYN1 protein (p.Thr613Pro).